The following is an entry in ClinVar:

NM_002936.6(RNASEH1):c.665T>C (p.Val222Ala)

Gene: RNASEH1 (ribonuclease H1; minus strand). Cytogenetic location: 2p25.3.
Variant type: single nucleotide variant.
Coding change: c.665T>C on transcript NM_002936.6 (MANE Select); coding-DNA position 665, T replaced by C.
Protein change: p.Val222Ala; replaces valine 222 with alanine.
Molecular consequence: missense variant. On other transcripts: non-coding transcript variant (7).
Genome position (GRCh38, 1-based): chr2:3,548,040, A>G on the plus strand (T>C on the coding strand, the complement: RNASEH1 is on the minus strand). VCF-style: chr2-3548040-A-G. GRCh37 (hg19) VCF-style: chr2-3595630-A-G.
Other names: c.587T>C, p.Val196Ala (NM_001286834.3); c.314T>C, p.Val105Ala (NM_001286837.3); c.665T>C, p.Val222Ala (NM_001378271.1); c.662T>C, p.Val221Ala (NM_001378272.1); c.650T>C, p.Val217Ala (NM_001378273.1); short protein forms V105A, V217A, V222A, V196A, V221A.
Identifiers: ClinVar variation 2033178 (VCV002033178.4), dbSNP rs2528038476, ClinGen allele CA345736469.

ClinVar aggregate classification (germline): Uncertain significance (1 of 4 stars; one submission).

Submission:

Labcorp Genetics (formerly Invitae), Labcorp
Classification: Uncertain significance. Last evaluated: 2022-09-28. Review status: criteria provided, single submitter. Criteria: Invitae Variant Classification Sherloc (09022015). Collection method: clinical testing. Allele origin: germline.
Comment: In summary, the available evidence is currently insufficient to determine the role of this variant in disease. Therefore, it has been classified as a Variant of Uncertain Significance. Advanced modeling of protein sequence and biophysical properties (such as structural, functional, and spatial information, amino acid conservation, physicochemical variation, residue mobility, and thermodynamic stability) performed at Invitae indicates that this missense variant is not expected to disrupt RNASEH1 protein function. This variant has not been reported in the literature in individuals affected with RNASEH1-related conditions. This variant is not present in population databases (gnomAD no frequency). This sequence change replaces valine, which is neutral and non-polar, with alanine, which is neutral and non-polar, at codon 222 of the RNASEH1 protein (p.Val222Ala).